The following is an entry in ClinVar:

ClinVar aggregate classification (germline): Uncertain significance (1 of 4 stars; one submission).

gnomAD v4.1: 5 of 1,597,690 alleles (0.00031%); highest among the groups gnomAD compares: Non-Finnish European, 0.00025%; no homozygotes.

Submission:

Labcorp Genetics (formerly Invitae), Labcorp
Classification: Uncertain significance. Last evaluated: 2023-09-14. Review status: criteria provided, single submitter. Criteria: Invitae Variant Classification Sherloc (09022015). Collection method: clinical testing. Allele origin: germline.
Comment: This variant has not been reported in the literature in individuals affected with GTPBP3-related conditions. The frequency data for this variant in the population databases is considered unreliable, as metrics indicate poor data quality at this position in the gnomAD database. This sequence change replaces glycine, which is neutral and non-polar, with cysteine, which is neutral and slightly polar, at codon 26 of the GTPBP3 protein (p.Gly26Cys). An algorithm developed to predict the effect of missense changes on protein structure and function (PolyPhen-2) suggests that this variant is likely to be tolerated. In summary, the available evidence is currently insufficient to determine the role of this variant in disease. Therefore, it has been classified as a Variant of Uncertain Significance.

NM_032620.4(GTPBP3):c.76G>T (p.Gly26Cys)

Gene: GTPBP3 (GTP binding protein 3, mitochondrial; plus strand). Cytogenetic location: 19p13.11.
Variant type: single nucleotide variant.
Coding change: c.76G>T on transcript NM_032620.4 (MANE Select); coding-DNA position 76, G replaced by T.
Protein change: p.Gly26Cys; replaces glycine 26 with cysteine.
Molecular consequence: missense variant.
Genome position (GRCh38, 1-based): chr19:17,338,030, G>T. VCF-style: chr19-17338030-G-T. GRCh37 (hg19) VCF-style: chr19-17448839-G-T.
Other names: c.76G>T, p.Gly26Cys (NM_001128855.3, NM_133644.4); c.142G>T, p.Gly48Cys (NM_001195422.1); short protein forms G48C, G26C.
Identifiers: ClinVar variation 2958136 (VCV002958136.3), dbSNP rs774670384, ClinGen allele CA9293223.